The following is an entry in ClinVar:

ClinVar aggregate classification (germline): Uncertain significance (1 of 4 stars; one submission).

Allele frequency attached by ClinVar (database versions not stated): ExAC 0.00001; gnomAD 0.00001; gnomAD exomes 0.00001 and 0.00002; TOPMed 0.00003.
gnomAD v4.1: 6 of 1,614,126 alleles (0.00037%); highest among the groups gnomAD compares: Admixed American, 0.01%; no homozygotes.

Submission:

Labcorp Genetics (formerly Invitae), Labcorp
Classification: Uncertain significance. Last evaluated: 2021-08-30. Review status: criteria provided, single submitter. Criteria: Invitae Variant Classification Sherloc (09022015). Collection method: clinical testing. Allele origin: germline.
Comment: This sequence change replaces glutamine with arginine at codon 1003 of the ABCA4 protein (p.Gln1003Arg). The glutamine residue is highly conserved and there is a small physicochemical difference between glutamine and arginine. This variant is present in population databases (rs764324152, ExAC 0.009%). This variant has not been reported in the literature in individuals affected with ABCA4-related conditions. Advanced modeling of protein sequence and biophysical properties (such as structural, functional, and spatial information, amino acid conservation, physicochemical variation, residue mobility, and thermodynamic stability) performed at Invitae indicates that this missense variant is not expected to disrupt ABCA4 protein function. In summary, the available evidence is currently insufficient to determine the role of this variant in disease. Therefore, it has been classified as a Variant of Uncertain Significance.

NM_000350.3(ABCA4):c.3008A>G (p.Gln1003Arg)

Gene: ABCA4 (ATP binding cassette subfamily A member 4; minus strand). Cytogenetic location: 1p22.1.
Variant type: single nucleotide variant.
Coding change: c.3008A>G on transcript NM_000350.3 (MANE Select); coding-DNA position 3008, A replaced by G.
Protein change: p.Gln1003Arg; replaces glutamine 1003 with arginine.
Molecular consequence: missense variant.
Genome position (GRCh38, 1-based): chr1:94,044,655, T>C on the plus strand (A>G on the coding strand, the complement: ABCA4 is on the minus strand). VCF-style: chr1-94044655-T-C. GRCh37 (hg19) VCF-style: chr1-94510211-T-C.
Other names: c.2786A>G, p.Gln929Arg (NM_001425324.1); short protein forms Q1003R, Q929R.
Identifiers: ClinVar variation 1348937 (VCV001348937.5), dbSNP rs764324152, ClinGen allele CA958078.